The following is an entry in ClinVar:

NM_020547.3(AMHR2):c.237C>A (p.Cys79Ter)

Gene: AMHR2 (anti-Mullerian hormone receptor type 2; plus strand). Cytogenetic location: 12q13.13.
Variant type: single nucleotide variant.
Coding change: c.237C>A on transcript NM_020547.3 (MANE Select); coding-DNA position 237, C replaced by A.
Protein change: p.Cys79Ter; replaces cysteine 79 with a stop codon.
Molecular consequence: nonsense.
Genome position (GRCh38, 1-based): chr12:53,424,713, C>A. VCF-style: chr12-53424713-C-A. GRCh37 (hg19) VCF-style: chr12-53818497-C-A.
Other names: c.237C>A, p.Cys79Ter (NM_001164690.2, NM_001164691.2); short protein forms C79*.
Identifiers: ClinVar variation 4996930 (VCV004996930.1).

ClinVar aggregate classification (germline): Likely pathogenic (1 of 4 stars; one submission).

Conditions:
AMHR2-related disorder. Also called: AMHR2-related condition.

gnomAD v4.1: 4 of 1,613,632 alleles (0.00025%); highest among the groups gnomAD compares: Middle Eastern, 0.017%; no homozygotes.

Submission:

PreventionGenetics, part of Exact Sciences
Classification: Likely pathogenic for AMHR2-related condition. Last evaluated: 2025-05-22. Review status: criteria provided, single submitter. Criteria: ACMG Guidelines, 2015. Collection method: clinical testing. Allele origin: germline.
Comment: The AMHR2 c.237C>A variant is predicted to result in premature protein termination (p.Cys79*). To our knowledge, this variant has not been reported in the literature. This variant is reported in 0.00088% of alleles in individuals of European (Non-Finnish) descent in gnomAD. Nonsense variants in AMHR2 are expected to be pathogenic. This variant is interpreted as likely pathogenic.